The following is an entry in ClinVar:

ClinVar aggregate classification (germline): Uncertain significance. Review status: criteria provided, multiple submitters, no conflicts (2 of 4 stars). 2 submissions from 2 submitters: Uncertain significance (2). Last evaluated 2025-02-02.

Submissions (2):

Labcorp Genetics (formerly Invitae), Labcorp
Classification: Uncertain significance. Last evaluated: 2025-02-02. Review status: criteria provided, single submitter. Criteria: Invitae Variant Classification Sherloc (09022015). Collection method: clinical testing. Allele origin: germline.
Comment: This sequence change replaces valine, which is neutral and non-polar, with glycine, which is neutral and non-polar, at codon 100 of the PNPT1 protein (p.Val100Gly). This variant is not present in population databases (gnomAD no frequency). This variant has not been reported in the literature in individuals affected with PNPT1-related conditions. ClinVar contains an entry for this variant (Variation ID: 2502095). An algorithm developed to predict the effect of missense changes on protein structure and function (PolyPhen-2) suggests that this variant is likely to be disruptive. In summary, the available evidence is currently insufficient to determine the role of this variant in disease. Therefore, it has been classified as a Variant of Uncertain Significance.

GeneDx
Classification: Uncertain significance. Last evaluated: 2023-11-16. Review status: criteria provided, single submitter. Criteria: GeneDx Variant Classification Process June 2021. Collection method: clinical testing. Allele origin: germline.
Comment: Not observed at significant frequency in large population cohorts (gnomAD); In silico analysis supports that this missense variant has a deleterious effect on protein structure/function; Has not been previously published as pathogenic or benign to our knowledge

NM_033109.5(PNPT1):c.299T>G (p.Val100Gly)

Gene: PNPT1 (polyribonucleotide nucleotidyltransferase 1; minus strand). Cytogenetic location: 2p16.1.
Variant type: single nucleotide variant.
Coding change: c.299T>G on transcript NM_033109.5 (MANE Select); coding-DNA position 299, T replaced by G.
Protein change: p.Val100Gly; replaces valine 100 with glycine.
Molecular consequence: missense variant.
Genome position (GRCh38, 1-based): chr2:55,685,047, A>C on the plus strand (T>G on the coding strand, the complement: PNPT1 is on the minus strand). VCF-style: chr2-55685047-A-C. GRCh37 (hg19) VCF-style: chr2-55912182-A-C.
Other names: short protein forms V100G.
Identifiers: ClinVar variation 2502095 (VCV002502095.4), dbSNP rs1697358968, ClinGen allele CA346941468.